The following is an entry in ClinVar:

NM_004006.3(DMD):c.3147del (p.Lys1049fs)

Gene: DMD (dystrophin; minus strand). Cytogenetic location: Xp21.1.
Variant type: Deletion.
Coding change: c.3147del on transcript NM_004006.3 (MANE Select); coding-DNA position 3147, one base deleted (A; older notation c.3147delA).
Protein change: p.Lys1049fs; shifts the reading frame from lysine 1049.
Molecular consequence: frameshift variant.
Genome position (GRCh38, 1-based): chrX:32,468,513, T deleted on the plus strand (A on the coding strand, the reverse complement: DMD is on the minus strand); the first of 3 consecutive T bases (chrX:32,468,513-32,468,515); deleting any one gives the same sequence. VCF-style (leftmost placement, unchanged base first): chrX-32468512-GT-G. GRCh37 (hg19) VCF-style: chrX-32486629-GT-G.
Other names: c.3123del, p.Lys1041fs (NM_000109.4); c.3135del, p.Lys1045fs (NM_004009.3); c.2778del, p.Lys926fs (NM_004010.3); short protein forms K1041fs, K1045fs, K1049fs, K926fs.
Identifiers: ClinVar variation 4855111 (VCV004855111.1).

ClinVar aggregate classification (germline): Pathogenic (1 of 4 stars; one submission).

Conditions:
Duchenne muscular dystrophy (DMD). Also called: Duchenne Muscular Dystrophy (DMD); MUSCULAR DYSTROPHY, PSEUDOHYPERTROPHIC PROGRESSIVE, DUCHENNE TYPE. Identifiers: Orphanet 98896, MedGen C0013264, MONDO:0010679, OMIM 310200.

Submission:

3billion
Classification: Pathogenic for Duchenne muscular dystrophy. Last evaluated: 2025-05-20. Review status: criteria provided, single submitter. Criteria: ACMG Guidelines, 2015. Collection method: clinical testing. Allele origin: germline. Affected: yes.
Comment: The variant is not observed in the gnomAD v4.1.0 dataset. Predicted Consequence/Location: Frameshift: predicted to result in a loss or disruption of normal protein function through nonsense-mediated decay (NMD) or protein truncation. Multiple pathogenic variants are reported downstream of the variant. The variant has been reported to be associated with DMD-related disorder (PMID: 11524473). Therefore, this variant is classified as Pathogenic according to the recommendation of ACMG/AMP guideline.

Literature cited by the submitters: PubMed 11524473.